The following is an entry in ClinVar:

NM_001384732.1(CPLANE1):c.5271G>T (p.Arg1757Ser)

Gene: CPLANE1 (ciliogenesis and planar polarity effector complex subunit 1; minus strand). Cytogenetic location: 5p13.2.
Variant type: single nucleotide variant.
Coding change: c.5271G>T on transcript NM_001384732.1 (MANE Select); coding-DNA position 5271, G replaced by T.
Protein change: p.Arg1757Ser; replaces arginine 1757 with serine.
Molecular consequence: missense variant.
Genome position (GRCh38, 1-based): chr5:37,182,910, C>A on the plus strand (G>T on the coding strand, the complement: CPLANE1 is on the minus strand). VCF-style: chr5-37182910-C-A. GRCh37 (hg19) VCF-style: chr5-37183012-C-A.
Other names: c.5271G>T, p.Arg1757Ser (NM_023073.4); short protein forms R1757S.
Identifiers: ClinVar variation 1908634 (VCV001908634.6), dbSNP rs760244058, ClinGen allele CA3238581.

ClinVar aggregate classification (germline): Uncertain significance. Review status: criteria provided, multiple submitters, no conflicts (2 of 4 stars). 2 submissions from 2 submitters: Uncertain significance (2). Last evaluated 2023-07-12.

Allele frequency attached by ClinVar (database versions not stated): gnomAD 0.00001; gnomAD exomes 0.00001; TOPMed 0.00003.
gnomAD v4.1: 14 of 1,606,426 alleles (0.00087%); highest among the groups gnomAD compares: Non-Finnish European, 0.0012%; no homozygotes.

Submissions (2):

Blueprint Genetics
Classification: Uncertain significance. Last evaluated: 2023-07-12. Review status: criteria provided, single submitter. Criteria: ACMG Guidelines, 2015. Collection method: clinical testing. Allele origin: germline.

Labcorp Genetics (formerly Invitae), Labcorp
Classification: Uncertain significance. Last evaluated: 2022-10-13. Review status: criteria provided, single submitter. Criteria: Invitae Variant Classification Sherloc (09022015). Collection method: clinical testing. Allele origin: germline.
Comment: This sequence change replaces arginine, which is basic and polar, with serine, which is neutral and polar, at codon 1757 of the CPLANE1 protein (p.Arg1757Ser). This variant is present in population databases (rs760244058, gnomAD 0.003%). This variant has not been reported in the literature in individuals affected with CPLANE1-related conditions. Advanced modeling of protein sequence and biophysical properties (such as structural, functional, and spatial information, amino acid conservation, physicochemical variation, residue mobility, and thermodynamic stability) performed at Invitae indicates that this missense variant is not expected to disrupt CPLANE1 protein function. In summary, the available evidence is currently insufficient to determine the role of this variant in disease. Therefore, it has been classified as a Variant of Uncertain Significance.